The following is an entry in ClinVar:

ClinVar aggregate classification (germline): Uncertain significance (1 of 4 stars; one submission).

Conditions:
Neurofibromatosis, type 1 (NF1). Also called: VON RECKLINGHAUSEN DISEASE; Peripheral type neurofibromatosis; NEUROFIBROMATOSIS, TYPE I, SOMATIC; Neurofibromatosis, type I. Identifiers: Orphanet 636, MedGen C0027831, MONDO:0018975, OMIM 162200. Disease mechanism: loss of function.

Submission:

Labcorp Genetics (formerly Invitae), Labcorp
Classification: Uncertain significance for Neurofibromatosis, type 1. Last evaluated: 2024-02-11. Review status: criteria provided, single submitter. Criteria: Invitae Variant Classification Sherloc (09022015). Collection method: clinical testing. Allele origin: germline.
Comment: This sequence change replaces leucine, which is neutral and non-polar, with isoleucine, which is neutral and non-polar, at codon 2709 of the NF1 protein (p.Leu2709Ile). This variant is not present in population databases (gnomAD no frequency). This variant has not been reported in the literature in individuals affected with NF1-related conditions. Advanced modeling of protein sequence and biophysical properties (such as structural, functional, and spatial information, amino acid conservation, physicochemical variation, residue mobility, and thermodynamic stability) performed at Invitae indicates that this missense variant is expected to disrupt NF1 protein function with a positive predictive value of 80%. In summary, the available evidence is currently insufficient to determine the role of this variant in disease. Therefore, it has been classified as a Variant of Uncertain Significance.

NM_001042492.3(NF1):c.8188C>A (p.Leu2730Ile)

Gene: NF1 (neurofibromin 1; plus strand). Cytogenetic location: 17q11.2.
Variant type: single nucleotide variant.
Coding change: c.8188C>A on transcript NM_001042492.3 (MANE Select); coding-DNA position 8188, C replaced by A.
Protein change: p.Leu2730Ile; replaces leucine 2730 with isoleucine.
Molecular consequence: missense variant.
Genome position (GRCh38, 1-based): chr17:31,360,514, C>A. VCF-style: chr17-31360514-C-A. GRCh37 (hg19) VCF-style: chr17-29687532-C-A.
Other names: c.8125C>A, p.Leu2709Ile (NM_000267.4); short protein forms L2730I, L2709I.
Identifiers: ClinVar variation 3634612 (VCV003634612.2).